The following is an entry in ClinVar:

NM_001374828.1(ARID1B):c.446A>G (p.Asn149Ser)

Genes: ARID1B (AT-rich interaction domain 1B; plus strand), LOC115308161 (uncharacterized LOC115308161; minus strand), LOC129997524 (ATAC-STARR-seq lymphoblastoid silent region 17711; plus strand). Cytogenetic location: 6q25.3.
Variant type: single nucleotide variant.
Coding change: c.446A>G on transcript NM_001374828.1 (MANE Select); coding-DNA position 446, A replaced by G.
Protein change: p.Asn149Ser; replaces asparagine 149 with serine.
Molecular consequence: missense variant.
Genome position (GRCh38, 1-based): chr6:156,778,126, A>G. VCF-style: chr6-156778126-A-G. GRCh37 (hg19) VCF-style: chr6-157099260-A-G.
Other names: c.197A>G, p.Asn66Ser (NM_020732.3); c.446A>G, p.Asn149Ser (NM_001371656.1, NM_001374820.1, NM_017519.3); short protein forms N66S, N149S.
Identifiers: ClinVar variation 210272 (VCV000210272.63), dbSNP rs776745618, ClinGen allele CA209558.

ClinVar aggregate classification (germline): Conflicting classifications of pathogenicity. Review status: criteria provided, conflicting classifications (1 of 4 stars). 9 submissions from 9 submitters: Uncertain significance (3); Benign (1); Likely benign (4). 1 of the submissions does not count toward it. Last evaluated 2025-11-24.

Conditions:
ARID1B-Related Disorder. Identifiers: MedGen CN381337.
Inborn genetic diseases. Identifiers: MedGen C0950123, MeSH D030342.
Coffin-Siris syndrome 1 (CSS1). Also called: ARID1B-Related Coffin-Siris Syndrome; Mental retardation, autosomal dominant 12. Identifiers: Orphanet 1465, MedGen C3281201, MONDO:0007617, OMIM 135900. Disease mechanism: gain of function.

Allele frequency attached by ClinVar (database versions not stated): ExAC 0.00012; gnomAD exomes 0.00014 and 0.00024; gnomAD 0.00018 and 0.00019; TOPMed 0.00023.
gnomAD v4.1: 355 of 1,538,874 alleles (0.023%); highest among the groups gnomAD compares: East Asian, 0.042%; no homozygotes.

Submissions (9):

Labcorp Genetics (formerly Invitae), Labcorp
Classification: Likely benign. Last evaluated: 2025-11-24. Review status: criteria provided, single submitter. Criteria: Invitae Variant Classification Sherloc (09022015). Collection method: clinical testing. Allele origin: germline.

Blueprint Genetics
Classification: Likely benign. Last evaluated: 2024-10-02. Review status: criteria provided, single submitter. Criteria: ACMG Guidelines, 2015. Collection method: clinical testing. Allele origin: germline.

CeGaT Center for Human Genetics Tuebingen
Classification: Likely benign. Last evaluated: 2023-03-01. Review status: criteria provided, single submitter. Criteria: CeGaT Center For Human Genetics Tuebingen Variant Classification Criteria Version 2. Collection method: clinical testing. Allele origin: germline. Affected: yes. Observed: 3 variant alleles.
Comment: ARID1B: BS1

Genome-Nilou Lab
Classification: Uncertain significance for Coffin-Siris syndrome 1. Last evaluated: 2021-07-15. Review status: criteria provided, single submitter. Criteria: ACMG Guidelines, 2015. Collection method: clinical testing. Allele origin: germline. Affected: no.

GeneDx
Classification: Likely benign. Last evaluated: 2020-08-03. Review status: criteria provided, single submitter. Criteria: GeneDx Variant Classification Process June 2021. Collection method: clinical testing. Allele origin: germline. Affected: yes.

Ambry Genetics
Classification: Benign for Inborn genetic diseases. Last evaluated: 2019-11-13. Review status: criteria provided, single submitter. Criteria: Ambry Variant Classification Scheme 2023. Collection method: clinical testing. Allele origin: germline.

Center for Pediatric Genomic Medicine, Children's Mercy Hospital and Clinics
Classification: Uncertain significance. Last evaluated: 2017-05-08. Review status: criteria provided, single submitter. Criteria: ACMG Guidelines, 2015. Collection method: clinical testing. Allele origin: germline.

Genetic Services Laboratory, University of Chicago
Classification: Uncertain significance. Last evaluated: 2014-06-16. Review status: criteria provided, single submitter. Criteria: ACMG Guidelines, 2015. Collection method: clinical testing. Allele origin: germline.

PreventionGenetics, part of Exact Sciences
Classification: Likely benign for ARID1B-related condition. Last evaluated: 2023-09-29. Review status: no assertion criteria provided. Collection method: clinical testing. Allele origin: germline. Not counted in ClinVar's aggregate classification.
Comment: This variant is classified as likely benign based on ACMG/AMP sequence variant interpretation guidelines (Richards et al. 2015 PMID: 25741868, with internal and published modifications).